The following is an entry in ClinVar:

NM_001173990.3(TMEM216):c.-69G>A

Gene: TMEM216 (transmembrane protein 216; plus strand). Cytogenetic location: 11q12.2.
Variant type: single nucleotide variant.
Coding change: c.-69G>A on transcript NM_001173990.3 (MANE Select); 69 bases upstream of the start codon, G replaced by A.
Genome position (GRCh38, 1-based): chr11:61,392,563, G>A. VCF-style: chr11-61392563-G-A. GRCh37 (hg19) VCF-style: chr11-61160035-G-A.
Identifiers: ClinVar variation 4689395 (VCV004689395.2).
Genomic context (GRCh38, chr11:61,392,563, plus strand): 5'-CAGGCCCGAGCTCGTCCAGCTCCGGGTGACCACAGAGTGCCGCGGGCGGGCAGAGGGGCC[G>A]GAAACCCAGGCCGCTTCGTCCCTGTTTCCGGCAGCGCCGCGCTGCTCCGGGAGCCGCTGT-3'

ClinVar aggregate classification (germline): Pathogenic. Review status: criteria provided, multiple submitters, no conflicts (2 of 4 stars). 2 submissions from 2 submitters: Pathogenic (2). Last evaluated 2026-03-12.

Conditions:
Joubert syndrome and related disorders. Identifiers: Orphanet 140874, MedGen C5679612, MONDO:0015369.

Submissions (2):

GeneDx
Classification: Pathogenic. Last evaluated: 2026-03-12. Review status: criteria provided, single submitter. Criteria: GeneDx Variant Classification Process June 2021. Collection method: clinical testing. Allele origin: germline.
Comment: Published functional studies demonstrate a damaging effect as the c.-69G>A variant results in reduced gene expression and abnormal ciliogenesis (PMID: 39191256); Located in a regulatory region; No data available from control populations to assess the frequency of this variant; This variant is associated with the following publications: (PMID: 39191256, Berry2024[Abstract], Goyal2025[Abstract], Zein2025[Abstract], 40191993)

Women's Health and Genetics/Laboratory Corporation of America, LabCorp
Classification: Pathogenic for Joubert syndrome and related disorders. Last evaluated: 2026-01-14. Review status: criteria provided, single submitter. Criteria: LabCorp Variant Classification Summary - May 2015. Collection method: clinical testing. Allele origin: germline.
Comment: Variant summary: TMEM216 c.-69G>A is located in the untranscribed region upstream of the TMEM216 gene region. The variant allele was found at a frequency of 5.9e-05 in 1485932 control chromosomes, predominantly at a frequency of 0.00095 within the Southeast Asian subpopulation in the gnomAD database (v4.1 dataset). The observed variant frequency within South Asian control individuals in the gnomAD database exceeds the estimated maximal expected allele frequency for disease-causing variants in TMEM216. However, the variant c.-69G>A, has been observed in the homozygous state in numerous Pakistani individuals affected with non-syndromic retinitis pigmentosa, i.e. without evidence of other systemic features of ciliopathy (e.g. Malka_2024, Berry_2024 [no PMID], Zein_2025 [no PMID]), and has been demonstrated to segregate with the disease. It has been suggested to be a founder variant in the Pakistani and Bangladeshi populations (Malka_2024, Goyal_2025 [no PMID]). These data indicate that the variant is very likely to be associated with disease. Publications also reported experimental evidence showing that this variant resulted in reduced TMEM216 expression and drastically reduced ciliation in a retinal epithelial cell line in vitro (e.g. Malka_2024, Berry_2024 [no PMID]). The following publications have been ascertained in the context of this evaluation (PMID: 39191256, 40191993). No submitters have cited clinical-significance assessments for this variant to ClinVar. Based on the evidence outlined above, the variant was classified as pathogenic.

Literature cited by the submitters: PubMed 39191256 (cited by Women's Health and Genetics/Laboratory Corporation of America, LabCorp); PubMed 40191993 (cited by Women's Health and Genetics/Laboratory Corporation of America, LabCorp).